The following is an entry in ClinVar:

ClinVar aggregate classification (germline): Uncertain significance (1 of 4 stars; one submission).

Conditions:
Hereditary cancer-predisposing syndrome. Also called: Neoplastic Syndromes, Hereditary; Tumor predisposition; Hereditary Cancer Syndrome; Hereditary neoplastic syndrome. Identifiers: Orphanet 140162, MedGen C0027672, MeSH D009386, MONDO:0015356.

Submission:

Ambry Genetics
Classification: Uncertain significance for Hereditary cancer-predisposing syndrome. Last evaluated: 2026-06-10. Review status: criteria provided, single submitter. Criteria: Ambry Variant Classification Scheme 2023. Collection method: clinical testing. Allele origin: germline.
Comment: The p.S49T variant (also known as c.145T>A), located in coding exon 2 of the SMARCB1 gene, results from a T to A substitution at nucleotide position 145. The serine at codon 49 is replaced by threonine, an amino acid with similar properties. This amino acid position is conserved. In addition, the in silico prediction for this alteration is inconclusive. Based on the available evidence, the clinical significance of this variant remains unclear.

NM_003073.5(SMARCB1):c.145T>A (p.Ser49Thr)

Gene: SMARCB1 (SWI/SNF related BAF chromatin remodeling complex subunit B1; plus strand). Cytogenetic location: 22q11.23.
Variant type: single nucleotide variant.
Coding change: c.145T>A on transcript NM_003073.5 (MANE Select); coding-DNA position 145, T replaced by A.
Protein change: p.Ser49Thr; replaces serine 49 with threonine.
Molecular consequence: missense variant.
Genome position (GRCh38, 1-based): chr22:23,791,807, T>A. VCF-style: chr22-23791807-T-A. GRCh37 (hg19) VCF-style: chr22-24133994-T-A.
Other names: c.145T>A, p.Ser49Thr (NM_001007468.3, NM_001317946.2, NM_001362877.2); short protein forms S49T.
Identifiers: ClinVar variation 4864834 (VCV004864834.1).